The following is an entry in ClinVar:

NM_194248.3(OTOF):c.3488C>T (p.Ala1163Val)

Gene: OTOF (otoferlin; minus strand). Cytogenetic location: 2p23.3.
Variant type: single nucleotide variant.
Coding change: c.3488C>T on transcript NM_194248.3 (MANE Select); coding-DNA position 3488, C replaced by T.
Protein change: p.Ala1163Val; replaces alanine 1163 with valine.
Molecular consequence: missense variant.
Genome position (GRCh38, 1-based): chr2:26,473,488, G>A on the plus strand (C>T on the coding strand, the complement: OTOF is on the minus strand). VCF-style: chr2-26473488-G-A. GRCh37 (hg19) VCF-style: chr2-26696356-G-A.
Other names: c.3488C>T, p.Ala1163Val (NM_001287489.2); c.1247C>T, p.Ala416Val (NM_004802.4, NM_194323.3); c.1418C>T, p.Ala473Val (NM_194322.3); short protein forms A1163V, A416V, A473V.
Identifiers: ClinVar variation 229075 (VCV000229075.5), dbSNP rs755175941, ClinGen allele CA10576592.

ClinVar aggregate classification (germline): Uncertain significance (1 of 4 stars; one submission).

Allele frequency attached by ClinVar (database versions not stated): gnomAD exomes below 0.00001; TOPMed 0.00001.
gnomAD v4.1: 5 of 1,613,090 alleles (0.00031%); highest among the groups gnomAD compares: East Asian, 0.0022%; no homozygotes.

Submission:

Laboratory for Molecular Medicine, Mass General Brigham Personalized Medicine
Classification: Uncertain significance. Last evaluated: 2015-04-24. Review status: criteria provided, single submitter. Criteria: LMM Criteria. Collection method: clinical testing. Allele origin: germline. Observed: 1 variant allele.
Comment: The p.Ala1163Val variant in OTOF has not been previously reported in individuals with hearing loss or in large population studies. Computational prediction tool s and conservation analysis suggest that this variant may impact the protein, th ough this information is not predictive enough to determine pathogenicity. In su mmary, the clinical significance of the p.Ala1163Val variant is uncertain.